The following is an entry in ClinVar:

ClinVar aggregate classification (germline): Uncertain significance (1 of 4 stars; one submission).

Conditions:
Axenfeld-Rieger syndrome type 3 (RIEG3). Also called: AXENFELD-RIEGER ANOMALY WITH CARDIAC DEFECTS AND/OR SENSORINEURAL HEARING LOSS. Identifiers: Orphanet 782, MedGen C2678503, MONDO:0011233, OMIM 602482.

Submission:

Labcorp Genetics (formerly Invitae), Labcorp
Classification: Uncertain significance for Axenfeld-Rieger syndrome type 3. Last evaluated: 2022-11-29. Review status: criteria provided, single submitter. Criteria: Invitae Variant Classification Sherloc (09022015). Collection method: clinical testing. Allele origin: germline.
Comment: In summary, the available evidence is currently insufficient to determine the role of this variant in disease. Therefore, it has been classified as a Variant of Uncertain Significance. Algorithms developed to predict the effect of missense changes on protein structure and function are either unavailable or do not agree on the potential impact of this missense change (SIFT: "Deleterious"; PolyPhen-2: "Benign"; Align-GVGD: "Class C55"). ClinVar contains an entry for this variant (Variation ID: 1416608). This variant has not been reported in the literature in individuals affected with FOXC1-related conditions. This variant is not present in population databases (gnomAD no frequency). This sequence change replaces alanine, which is neutral and non-polar, with threonine, which is neutral and polar, at codon 252 of the FOXC1 protein (p.Ala252Thr).

NM_001453.3(FOXC1):c.754G>A (p.Ala252Thr)

Gene: FOXC1 (forkhead box C1; plus strand). Cytogenetic location: 6p25.3.
Variant type: single nucleotide variant.
Coding change: c.754G>A on transcript NM_001453.3 (MANE Select); coding-DNA position 754, G replaced by A.
Protein change: p.Ala252Thr; replaces alanine 252 with threonine.
Molecular consequence: missense variant.
Genome position (GRCh38, 1-based): chr6:1,611,199, G>A. VCF-style: chr6-1611199-G-A. GRCh37 (hg19) VCF-style: chr6-1611434-G-A.
Other names: short protein forms A252T.
Identifiers: ClinVar variation 1416608 (VCV001416608.6), dbSNP rs2113112550, ClinGen allele CA362559495.